The following is an entry in ClinVar:

NM_000275.3(OCA2):c.*1T>C

Gene: OCA2 (OCA2 melanosomal transmembrane protein; minus strand). Cytogenetic location: 15q12.
Variant type: single nucleotide variant.
Coding change: c.*1T>C on transcript NM_000275.3 (MANE Select); 1 bases downstream of the stop codon, T replaced by C.
Molecular consequence: 3 prime UTR variant.
Genome position (GRCh38, 1-based): chr15:27,755,387, A>G on the plus strand (T>C on the coding strand, the complement: OCA2 is on the minus strand). VCF-style: chr15-27755387-A-G. GRCh37 (hg19) VCF-style: chr15-28000533-A-G.
Other names: c.*1T>C (NM_001300984.2).
Identifiers: ClinVar variation 499953 (VCV000499953.13), dbSNP rs138228425, ClinGen allele CA7438544.
Genomic context (GRCh38, chr15:27,755,387, plus strand): 5'-TGACTAATGGGTTGTGATGGATGAAGTTTCCTTTAGTCTTCGAGCAATAGATGGATGTCT[A>G]TTAATTCCATCCCACCACCACATGAGCCACAAGGAGATAACACATCCCAACAGTGCAGGA-3'

ClinVar aggregate classification (germline): Uncertain significance. Review status: criteria provided, multiple submitters, no conflicts (2 of 4 stars). 5 submissions from 5 submitters: Uncertain significance (5). Last evaluated 2024-11-12.

Conditions:
Tyrosinase-positive oculocutaneous albinism (OCA2). Also called: Oculocutaneous albinism type 2; Albinism, oculocutaneous, type II; ALBINISM II. Identifiers: Orphanet 79432, MedGen C0268495, MONDO:0008746, OMIM 203200.

Allele frequency attached by ClinVar (database versions not stated): gnomAD exomes 0.00009 and 0.00017; ExAC 0.00021; 1000 Genomes Project 30x 0.00031; 1000 Genomes Project 0.00040; ESP Exome Variant Server 0.00062; gnomAD 0.00075 and 0.00081; TOPMed 0.00091.
gnomAD v4.1: 236 of 1,601,594 alleles (0.015%); highest among the groups gnomAD compares: African/African-American, 0.3%; no homozygotes.

Submissions (5):

Women's Health and Genetics/Laboratory Corporation of America, LabCorp
Classification: Uncertain significance. Last evaluated: 2024-11-12. Review status: criteria provided, single submitter. Criteria: LabCorp Variant Classification Summary - May 2015. Collection method: clinical testing. Allele origin: germline.
Comment: Variant summary: OCA2 c.*1T>C is located in the untranslated mRNA region downstream of the termination codon. The variant allele was found at a frequency of 0.00017 in 251274 control chromosomes. This frequency is not significantly higher than estimated for a pathogenic variant in OCA2 causing Oculocutaneous Albinism (0.00017 vs 0.0043), allowing no conclusion about variant significance. To our knowledge, no occurrence of c.*1T>C in individuals affected with Oculocutaneous Albinism and no experimental evidence demonstrating its impact on protein function have been reported. ClinVar contains an entry for this variant (Variation ID: 499953). Based on the evidence outlined above, the variant was classified as uncertain significance.

Genome-Nilou Lab
Classification: Uncertain significance for Tyrosinase-positive oculocutaneous albinism. Last evaluated: 2021-11-07. Review status: criteria provided, single submitter. Criteria: ACMG Guidelines, 2015. Collection method: clinical testing. Allele origin: germline. Affected: no.

Illumina Laboratory Services, Illumina
Classification: Uncertain significance for Tyrosinase-positive oculocutaneous albinism. Last evaluated: 2018-01-12. Review status: criteria provided, single submitter. Criteria: ICSL Variant Classification Criteria 13 December 2019. Collection method: clinical testing. Allele origin: germline.

Eurofins Ntd Llc (ga)
Classification: Uncertain significance. Last evaluated: 2017-02-06. Review status: criteria provided, single submitter. Criteria: EGL Classification Definitions 2015. Collection method: clinical testing. Allele origin: germline. Observed: 1 variant allele, 1 heterozygote.

Breakthrough Genomics
Classification: Uncertain significance. Review status: criteria provided, single submitter. Criteria: ACMG Guidelines, 2015. Collection method: not provided. Allele origin: germline. Inheritance: Autosomal recessive inheritance. Affected: yes.